The following is an entry in ClinVar:

NM_003628.6(PKP4):c.1516G>T (p.Gly506Cys)

Gene: PKP4 (plakophilin 4; plus strand). Cytogenetic location: 2q24.1.
Variant type: single nucleotide variant.
Coding change: c.1516G>T on transcript NM_003628.6 (MANE Select); coding-DNA position 1516, G replaced by T.
Protein change: p.Gly506Cys; replaces glycine 506 with cysteine.
Molecular consequence: missense variant.
Genome position (GRCh38, 1-based): chr2:158,634,243, G>T. VCF-style: chr2-158634243-G-T. GRCh37 (hg19) VCF-style: chr2-159490755-G-T.
Other names: c.1516G>T, p.Gly506Cys (NM_001005476.4, NM_001304971.2, NM_001377218.1 and 1 more transcripts); c.1513G>T, p.Gly505Cys (NM_001304969.3, NM_001377219.1, NM_001377220.1 and 2 more transcripts); c.487G>T, p.Gly163Cys (NM_001304970.3); c.1510G>T, p.Gly504Cys (NM_001377222.1, NM_001377223.1); c.1507G>T, p.Gly503Cys (NM_001377224.1); short protein forms G506C, G163C, G503C, G504C, G505C.
Identifiers: ClinVar variation 1774326 (VCV001774326.2), dbSNP rs536131977, ClinGen allele CA1920734.

ClinVar aggregate classification (germline): Uncertain significance (1 of 4 stars; one submission).

Allele frequency attached by ClinVar (database versions not stated): TOPMed below 0.00001; 1000 Genomes Project 30x 0.00016; 1000 Genomes Project 0.00020.
gnomAD v4.1: 5 of 1,614,062 alleles (0.00031%); highest among the groups gnomAD compares: East Asian, 0.0022%; no homozygotes.

Submission:

Ambry Genetics
Classification: Uncertain significance. Last evaluated: 2022-09-05. Review status: criteria provided, single submitter. Criteria: Ambry Variant Classification Scheme 2023. Collection method: clinical testing. Allele origin: germline.
Comment: The p.G506C variant (also known as c.1516G>T), located in coding exon 8 of the PKP4 gene, results from a G to T substitution at nucleotide position 1516. The glycine at codon 506 is replaced by cysteine, an amino acid with highly dissimilar properties. This amino acid position is conserved. In addition, this alteration is predicted to be deleterious by in silico analysis. Since supporting evidence is limited at this time, the clinical significance of this alteration remains unclear.